The following is an entry in ClinVar:

NM_017780.4(CHD7):c.6710C>A (p.Ser2237Tyr)

Gene: CHD7 (chromodomain helicase DNA binding protein 7; plus strand). Cytogenetic location: 8q12.2.
Variant type: single nucleotide variant.
Coding change: c.6710C>A on transcript NM_017780.4 (MANE Select); coding-DNA position 6710, C replaced by A.
Protein change: p.Ser2237Tyr; replaces serine 2237 with tyrosine.
Molecular consequence: missense variant. On other transcripts: intron variant (1).
Genome position (GRCh38, 1-based): chr8:60,853,435, C>A. VCF-style: chr8-60853435-C-A. GRCh37 (hg19) VCF-style: chr8-61765994-C-A.
Other names: c.1717-8794C>A (NM_001316690.1); short protein forms S2237Y.
Identifiers: ClinVar variation 2785035 (VCV002785035.3), dbSNP rs2488047640, ClinGen allele CA371326154.

ClinVar aggregate classification (germline): Uncertain significance (1 of 4 stars; one submission).

Conditions:
CHARGE syndrome (CHARGE). Also called: Hittner Hirsch Kreh syndrome; CHARGE ASSOCIATION--COLOBOMA, HEART ANOMALY, CHOANAL ATRESIA, RETARDATION, GENITAL AND EAR ANOMALIES; Coloboma, heart anomaly, choanal atresia, retardation, genital and ear anomalies; CHARGE association; Hall-Hittner syndrome. Identifiers: Orphanet 138, MedGen C0265354, MONDO:0008965.

Allele frequency attached by ClinVar (database versions not stated): gnomAD exomes 0.00001.
gnomAD v4.1: 14 of 1,521,550 alleles (0.00092%); highest among the groups gnomAD compares: Non-Finnish European, 0.0011%; no homozygotes.

Submission:

Labcorp Genetics (formerly Invitae), Labcorp
Classification: Uncertain significance for CHARGE syndrome. Last evaluated: 2025-08-18. Review status: criteria provided, single submitter. Criteria: Invitae Variant Classification Sherloc (09022015). Collection method: clinical testing. Allele origin: germline.
Comment: This sequence change replaces serine, which is neutral and polar, with tyrosine, which is neutral and polar, at codon 2237 of the CHD7 protein (p.Ser2237Tyr). This variant is not present in population databases (gnomAD no frequency). This variant has not been reported in the literature in individuals affected with CHD7-related conditions. ClinVar contains an entry for this variant (Variation ID: 2785035). Invitae Evidence Modeling of protein sequence and biophysical properties (such as structural, functional, and spatial information, amino acid conservation, physicochemical variation, residue mobility, and thermodynamic stability) has been performed for this missense variant. However, the output from this modeling did not meet the statistical confidence thresholds required to predict the impact of this variant on CHD7 protein function. In summary, the available evidence is currently insufficient to determine the role of this variant in disease. Therefore, it has been classified as a Variant of Uncertain Significance.